The following is an entry in ClinVar:

ClinVar aggregate classification (germline): Likely pathogenic. Review status: criteria provided, single submitter (1 of 4 stars). 2 submissions from 2 submitters: Likely pathogenic (1). 1 of the submissions does not count toward it. Last evaluated 2020-11-18.

Conditions:
Dilated cardiomyopathy 1HH (CMD1HH). Identifiers: Orphanet 154, MedGen C3151293, MONDO:0013479, OMIM 613881.

Submissions (2):

GeneDx
Classification: Likely pathogenic. Last evaluated: 2020-11-18. Review status: criteria provided, single submitter. Criteria: GeneDx Variant Classification Process June 2021. Collection method: clinical testing. Allele origin: germline. Affected: yes.
Comment: Not observed in large population cohorts (Lek et al., 2016); In silico analysis supports that this missense variant has a deleterious effect on protein structure/function; This variant is associated with the following publications: (PMID: 26183555, 25925243, 29938246, 21898660, 32093037, 31808029, 28680391, 28269794, 32859500, 29203715)

OMIM
Classification: Pathogenic for CARDIOMYOPATHY, DILATED, 1HH. Last evaluated: 2011-12-01. Review status: no assertion criteria provided. Collection method: literature only. Allele origin: germline. Not counted in ClinVar's aggregate classification.

Literature cited by the submitters: PubMed 21898660 (cited by OMIM).

NM_004281.4(BAG3):c.1385T>C (p.Leu462Pro)

Gene: BAG3 (BAG cochaperone 3; plus strand). Cytogenetic location: 10q26.11.
Variant type: single nucleotide variant.
Coding change: c.1385T>C on transcript NM_004281.4 (MANE Select); coding-DNA position 1385, T replaced by C.
Protein change: p.Leu462Pro; replaces leucine 462 with proline.
Molecular consequence: missense variant.
Genome position (GRCh38, 1-based): chr10:119,676,939, T>C. VCF-style: chr10-119676939-T-C. GRCh37 (hg19) VCF-style: chr10-121436451-T-C.
Other names: short protein forms L462P.
Identifiers: ClinVar variation 39465 (VCV000039465.6), dbSNP rs397514507, ClinGen allele CA261131.